The following is an entry in ClinVar:

ClinVar aggregate classification (germline): Uncertain significance. Review status: criteria provided, multiple submitters, no conflicts (2 of 4 stars). 2 submissions from 2 submitters: Uncertain significance (2). Last evaluated 2024-10-18.

Conditions:
Inborn genetic diseases. Identifiers: MedGen C0950123, MeSH D030342.

Submissions (2):

Labcorp Genetics (formerly Invitae), Labcorp
Classification: Uncertain significance. Last evaluated: 2024-10-18. Review status: criteria provided, single submitter. Criteria: Invitae Variant Classification Sherloc (09022015). Collection method: clinical testing. Allele origin: germline.
Comment: This sequence change replaces threonine, which is neutral and polar, with methionine, which is neutral and non-polar, at codon 115 of the S1PR2 protein (p.Thr115Met). This variant is present in population databases (no rsID available, gnomAD 0.006%). This variant has not been reported in the literature in individuals affected with S1PR2-related conditions. ClinVar contains an entry for this variant (Variation ID: 2330977). An algorithm developed to predict the effect of missense changes on protein structure and function (PolyPhen-2) suggests that this variant is likely to be disruptive. In summary, the available evidence is currently insufficient to determine the role of this variant in disease. Therefore, it has been classified as a Variant of Uncertain Significance.

Ambry Genetics
Classification: Uncertain significance for Inborn genetic diseases. Last evaluated: 2022-12-01. Review status: criteria provided, single submitter. Criteria: Ambry Variant Classification Scheme 2023. Collection method: clinical testing. Allele origin: germline.

NM_004230.4(S1PR2):c.344C>T (p.Thr115Met)

Gene: S1PR2 (sphingosine-1-phosphate receptor 2; minus strand). Cytogenetic location: 19p13.2.
Variant type: single nucleotide variant.
Coding change: c.344C>T on transcript NM_004230.4 (MANE Select); coding-DNA position 344, C replaced by T.
Protein change: p.Thr115Met; replaces threonine 115 with methionine.
Molecular consequence: missense variant.
Genome position (GRCh38, 1-based): chr19:10,224,562, G>A on the plus strand (C>T on the coding strand, the complement: S1PR2 is on the minus strand). VCF-style: chr19-10224562-G-A. GRCh37 (hg19) VCF-style: chr19-10335238-G-A.
Other names: short protein forms T115M.
Identifiers: ClinVar variation 2330977 (VCV002330977.4), dbSNP rs979923055, ClinGen allele CA305184045.